The following is an entry in ClinVar:

NM_139076.3(ABRAXAS1):c.321T>G (p.Asp107Glu)

Gene: ABRAXAS1 (abraxas 1, BRCA1 A complex subunit; minus strand). Cytogenetic location: 4q21.23.
Variant type: single nucleotide variant.
Coding change: c.321T>G on transcript NM_139076.3 (MANE Select); coding-DNA position 321, T replaced by G.
Protein change: p.Asp107Glu; replaces aspartic acid 107 with glutamic acid.
Molecular consequence: missense variant. On other transcripts: 5 prime UTR variant (1).
Genome position (GRCh38, 1-based): chr4:83,470,358, A>C on the plus strand (T>G on the coding strand, the complement: ABRAXAS1 is on the minus strand). VCF-style: chr4-83470358-A-C. GRCh37 (hg19) VCF-style: chr4-84391511-A-C.
Other names: c.-7T>G (NM_001345962.2); short protein forms D107E.
Identifiers: ClinVar variation 4844791 (VCV004844791.1).
Genomic context (GRCh38, chr4:83,470,358, plus strand): 5'-GTTTGAAAAATGCTCCTGCAAGTTTTTGTGAAGCAGCCTCTCTCTAAACGTCATGATCTG[A>C]TCTGAATGACGACGGAATTTGTACCAACCTACCACATTCTGAAATACAGAATAAAAAGGA-3'
Protein context (NP_620775.2, residues 97-117): VGWYKFRRHS[Asp107Glu]QIMTFRERLL

ClinVar aggregate classification (germline): Uncertain significance (1 of 4 stars; one submission).

Submission:

Ambry Genetics
Classification: Uncertain significance. Last evaluated: 2026-01-25. Review status: criteria provided, single submitter. Criteria: Ambry Variant Classification Scheme 2023. Collection method: clinical testing. Allele origin: germline.
Comment: The p.D107E variant (also known as c.321T>G), located in coding exon 5 of the FAM175A gene, results from a T to G substitution at nucleotide position 321. The aspartic acid at codon 107 is replaced by glutamic acid, an amino acid with highly similar properties. This amino acid position is conserved. In addition, this alteration is predicted to be tolerated by in silico analysis. Based on the available evidence, the clinical significance of this variant remains unclear.